The following is an entry in ClinVar:

ClinVar aggregate classification (germline): Uncertain significance (1 of 4 stars; one submission).

Conditions:
NIK deficiency. Also called: Primary immunodeficiency with multifaceted aberrant lymphoid immunity. Identifiers: Orphanet 447731, MedGen C5680065, MONDO:0018642.

Submission:

Labcorp Genetics (formerly Invitae), Labcorp
Classification: Uncertain significance for NIK deficiency. Last evaluated: 2025-12-08. Review status: criteria provided, single submitter. Criteria: Invitae Variant Classification Sherloc (09022015). Collection method: clinical testing. Allele origin: germline.
Comment: This sequence change replaces lysine, which is basic and polar, with arginine, which is basic and polar, at codon 128 of the MAP3K14 protein (p.Lys128Arg). This variant is not present in population databases (gnomAD no frequency). This variant has not been reported in the literature in individuals affected with MAP3K14-related conditions. ClinVar contains an entry for this variant (Variation ID: 1001545). Experimental studies and prediction algorithms are not available or were not evaluated, and the functional significance of this variant is currently unknown. In summary, the available evidence is currently insufficient to determine the role of this variant in disease. Therefore, it has been classified as a Variant of Uncertain Significance.

NM_003954.5(MAP3K14):c.383A>G (p.Lys128Arg)

Gene: MAP3K14 (mitogen-activated protein kinase kinase kinase 14; minus strand). Cytogenetic location: 17q21.31.
Variant type: single nucleotide variant.
Coding change: c.383A>G on transcript NM_003954.5 (MANE Select); coding-DNA position 383, A replaced by G.
Protein change: p.Lys128Arg; replaces lysine 128 with arginine.
Molecular consequence: missense variant.
Genome position (GRCh38, 1-based): chr17:45,287,308, T>C on the plus strand (A>G on the coding strand, the complement: MAP3K14 is on the minus strand). VCF-style: chr17-45287308-T-C. GRCh37 (hg19) VCF-style: chr17-43364674-T-C.
Other names: short protein forms K128R.
Identifiers: ClinVar variation 1001545 (VCV001001545.7), dbSNP rs2044275499, ClinGen allele CA399890537.